The following is an entry in ClinVar:

ClinVar aggregate classification (germline): Uncertain significance. Review status: criteria provided, multiple submitters, no conflicts (2 of 4 stars). 2 submissions from 2 submitters: Uncertain significance (2). Last evaluated 2024-01-24.

Conditions:
Monogenic diabetes. Identifiers: Orphanet 183625, MedGen C3888631, MONDO:0015967.

Allele frequency attached by ClinVar (database versions not stated): gnomAD 0.00001; TOPMed 0.00001; ESP Exome Variant Server 0.00008.
gnomAD v4.1: 3 of 1,614,100 alleles (0.00019%); highest among the groups gnomAD compares: African/African-American, 0.0027%; no homozygotes.

Submissions (2):

Ambry Genetics
Classification: Uncertain significance. Last evaluated: 2024-01-24. Review status: criteria provided, single submitter. Criteria: Ambry Variant Classification Scheme 2023. Collection method: clinical testing. Allele origin: germline.

Personalized Diabetes Medicine Program, University of Maryland School of Medicine
Classification: Uncertain significance for Monogenic diabetes. Last evaluated: 2015-10-16. Review status: criteria provided, single submitter. Criteria: ACMG Guidelines, 2015. Collection method: research. Allele origin: unknown. Observed: 1 variant allele, 1 heterozygote.
Comment: ACMG Criteria: BP4

NM_001715.3(BLK):c.154C>A (p.Pro52Thr)

Gene: BLK (BLK proto-oncogene, Src family tyrosine kinase). Cytogenetic location: 8p23.1.
Variant type: single nucleotide variant.
Coding change: c.154C>A on transcript NM_001715.3 (MANE Select); coding-DNA position 154, C replaced by A.
Protein change: p.Pro52Thr; replaces proline 52 with threonine.
Molecular consequence: missense variant. On other transcripts: 5 prime UTR variant (1).
Genome position (GRCh38, 1-based): chr8:11,546,082, C>A. VCF-style: chr8-11546082-C-A. GRCh37 (hg19) VCF-style: chr8-11403591-C-A.
Other names: c.-60C>A (NM_001330465.2); c.154C>A (NM_001715.2); short protein forms P52T.
Identifiers: ClinVar variation 393410 (VCV000393410.3), dbSNP rs375173243, ClinGen allele CA4629713.